The following is an entry in ClinVar:

ClinVar aggregate classification (germline): Likely benign. Review status: criteria provided, multiple submitters, no conflicts (2 of 4 stars). 2 submissions from 2 submitters: Likely benign (2). Last evaluated 2025-02-24.

Conditions:
Breast-ovarian cancer, familial, susceptibility to, 4. Identifiers: Orphanet 145, MedGen C3280345, MONDO:0013669, OMIM 614291.

Submissions (2):

Myriad Genetics, Inc.
Classification: Likely benign for Breast-ovarian cancer, familial, susceptibility to, 4. Last evaluated: 2025-02-24. Review status: criteria provided, single submitter. Criteria: Myriad Autosomal Dominant, Autosomal Recessive and X-Linked Classification Criteria (2023). Collection method: clinical testing. Allele origin: unknown.
Comment: This variant is considered likely benign. This variant is intronic and is not expected to impact mRNA splicing.

Labcorp Genetics (formerly Invitae), Labcorp
Classification: Likely benign for Breast-ovarian cancer, familial, susceptibility to, 4. Last evaluated: 2020-01-23. Review status: criteria provided, single submitter. Criteria: Invitae Variant Classification Sherloc (09022015). Collection method: clinical testing. Allele origin: germline.

NM_002878.4(RAD51D):c.668-6C>T

Genes: RAD51L3-RFFL (RAD51L3-RFFL readthrough; minus strand), RAD51D (RAD51 paralog D; minus strand). Cytogenetic location: 17q12.
Variant type: single nucleotide variant.
Coding change: c.668-6C>T on transcript NM_002878.4 (MANE Select); 6 bases into the intron before coding-DNA position 668, C replaced by T.
Molecular consequence: intron variant.
Genome position (GRCh38, 1-based): chr17:35,103,330, G>A on the plus strand (C>T on the coding strand, the complement: RAD51D is on the minus strand). VCF-style: chr17-35103330-G-A. GRCh37 (hg19) VCF-style: chr17-33430349-G-A.
Other names: c.332-6C>T (NM_133629.3); c.728-6C>T (NM_001142571.2).
Identifiers: ClinVar variation 1114266 (VCV001114266.8), dbSNP rs2142418915, ClinGen allele CA2499224274.